The following is an entry in ClinVar:

ClinVar aggregate classification (germline): Uncertain significance (1 of 4 stars; one submission).

Conditions:
Inborn genetic diseases. Identifiers: MedGen C0950123, MeSH D030342.

Submission:

Ambry Genetics
Classification: Uncertain significance for Inborn genetic diseases. Last evaluated: 2023-05-19. Review status: criteria provided, single submitter. Criteria: Ambry Variant Classification Scheme 2023. Collection method: clinical testing. Allele origin: germline.
Comment: The p.A1726P variant (also known as c.5176G>C), located in coding exon 36 of the LRRK2 gene, results from a G to C substitution at nucleotide position 5176. The alanine at codon 1726 is replaced by proline, an amino acid with highly similar properties. This amino acid position is conserved. In addition, this alteration is predicted to be tolerated by in silico analysis. Since supporting evidence is limited at this time, the clinical significance of this alteration remains unclear.

NM_198578.4(LRRK2):c.5176G>C (p.Ala1726Pro)

Gene: LRRK2 (leucine rich repeat kinase 2; plus strand). Cytogenetic location: 12q12.
Variant type: single nucleotide variant.
Coding change: c.5176G>C on transcript NM_198578.4 (MANE Select); coding-DNA position 5176, G replaced by C.
Protein change: p.Ala1726Pro; replaces alanine 1726 with proline.
Molecular consequence: missense variant.
Genome position (GRCh38, 1-based): chr12:40,322,040, G>C. VCF-style: chr12-40322040-G-C. GRCh37 (hg19) VCF-style: chr12-40715842-G-C.
Other names: short protein forms A1726P.
Identifiers: ClinVar variation 2561226 (VCV002561226.2), dbSNP rs2499883153, ClinGen allele CA384420169.